The following is an entry in ClinVar:

NM_000203.5(IDUA):c.809T>C (p.Ile270Thr)

Gene: IDUA (alpha-L-iduronidase; plus strand). Cytogenetic location: 4p16.3.
Variant type: single nucleotide variant.
Coding change: c.809T>C on transcript NM_000203.5 (MANE Select); coding-DNA position 809, T replaced by C.
Protein change: p.Ile270Thr; replaces isoleucine 270 with threonine.
Molecular consequence: missense variant. On other transcripts: non-coding transcript variant (1).
Genome position (GRCh38, 1-based): chr4:1,001,998, T>C. VCF-style: chr4-1001998-T-C. GRCh37 (hg19) VCF-style: chr4-995786-T-C.
Other names: c.413T>C, p.Ile138Thr (NM_001363576.1); short protein forms I138T, I270T.
Identifiers: ClinVar variation 3768770 (VCV003768770.1).

ClinVar aggregate classification (germline): Uncertain significance (1 of 4 stars; one submission).

gnomAD v4.1: 2 of 1,590,008 alleles (0.00013%); highest among the groups gnomAD compares: Non-Finnish European, 0.00017%; no homozygotes.

Submission:

Women's Health and Genetics/Laboratory Corporation of America, LabCorp
Classification: Uncertain significance. Last evaluated: 2025-02-04. Review status: criteria provided, single submitter. Criteria: LabCorp Variant Classification Summary - May 2015. Collection method: clinical testing. Allele origin: germline.
Comment: Variant summary: IDUA c.809T>C (p.Ile270Thr) results in a non-conservative amino acid change in the encoded protein sequence. Four of five in-silico tools predict a benign effect of the variant on protein function. The variant was absent in 205686 control chromosomes. The available data on variant occurrences in the general population are insufficient to allow any conclusion about variant significance. To our knowledge, no occurrence of c.809T>C in individuals affected with Hurler syndrome and no experimental evidence demonstrating its impact on protein function have been reported. No submitters have cited clinical-significance assessments for this variant to ClinVar. Based on the evidence outlined above, the variant was classified as uncertain significance.